The following is an entry in ClinVar:

NM_018127.7(ELAC2):c.1993G>A (p.Gly665Arg)

Gene: ELAC2 (elaC ribonuclease Z 2; minus strand). Cytogenetic location: 17p12.
Variant type: single nucleotide variant.
Coding change: c.1993G>A on transcript NM_018127.7 (MANE Select); coding-DNA position 1993, G replaced by A.
Protein change: p.Gly665Arg; replaces glycine 665 with arginine.
Molecular consequence: missense variant.
Genome position (GRCh38, 1-based): chr17:12,994,800, C>T on the plus strand (G>A on the coding strand, the complement: ELAC2 is on the minus strand). VCF-style: chr17-12994800-C-T. GRCh37 (hg19) VCF-style: chr17-12898117-C-T.
Other names: c.1873G>A, p.Gly625Arg (NM_001165962.2); c.1990G>A, p.Gly664Arg (NM_173717.2); short protein forms G665R, G664R, G625R.
Identifiers: ClinVar variation 408868 (VCV000408868.5), dbSNP rs777258865, ClinGen allele CA8400984.
Genomic context (GRCh38, chr17:12,994,800, plus strand): 5'-TGGCTTGCTTCTTCCTCTACTCACCCATCCGGACCAGAGCCTCGCAGGGCATGGTGTCCC[C>T]GGAATAGACCACTTTCCAGCCAGAGGTGTGCACCAGCGCACAGCCAAACGCATGCTTGCA-3'
Protein context (NP_060597.4, residues 655-675): HTSGWKVVYS[Gly665Arg]DTMPCEALVR

ClinVar aggregate classification (germline): Uncertain significance. Review status: criteria provided, multiple submitters, no conflicts (2 of 4 stars). 3 submissions from 3 submitters: Uncertain significance (3). Last evaluated 2025-08-09.

Conditions:
Inborn genetic diseases. Identifiers: MedGen C0950123, MeSH D030342.
Combined oxidative phosphorylation defect type 17. Also called: Combined oxidative phosphorylation deficiency 17. Identifiers: Orphanet 369913, MedGen C3809526, MONDO:0014190, OMIM 615440.

Allele frequency attached by ClinVar (database versions not stated): gnomAD 0.00001; gnomAD exomes 0.00001 and 0.00002; ExAC 0.00002; TOPMed 0.00001.
gnomAD v4.1: 24 of 1,613,886 alleles (0.0015%); highest among the groups gnomAD compares: South Asian, 0.0066%; no homozygotes.

Submissions (3):

Ambry Genetics
Classification: Uncertain significance for Inborn genetic diseases. Last evaluated: 2025-08-09. Review status: criteria provided, single submitter. Criteria: Ambry Variant Classification Scheme 2023. Collection method: clinical testing. Allele origin: germline.

Labcorp Genetics (formerly Invitae), Labcorp
Classification: Uncertain significance for Combined oxidative phosphorylation defect type 17. Last evaluated: 2022-09-01. Review status: criteria provided, single submitter. Criteria: Invitae Variant Classification Sherloc (09022015). Collection method: clinical testing. Allele origin: germline.
Comment: This sequence change replaces glycine, which is neutral and non-polar, with arginine, which is basic and polar, at codon 665 of the ELAC2 protein (p.Gly665Arg). This variant is present in population databases (rs777258865, gnomAD 0.01%). This variant has not been reported in the literature in individuals affected with ELAC2-related conditions. ClinVar contains an entry for this variant (Variation ID: 408868). Algorithms developed to predict the effect of missense changes on protein structure and function (SIFT, PolyPhen-2, Align-GVGD) all suggest that this variant is likely to be disruptive. In summary, the available evidence is currently insufficient to determine the role of this variant in disease. Therefore, it has been classified as a Variant of Uncertain Significance.

Stanford Center for Inherited Cardiovascular Disease, Stanford University
Classification: Uncertain significance. Last evaluated: 2016-10-11. Review status: criteria provided, single submitter. Criteria: ACMG Guidelines, 2015. Collection method: provider interpretation. Allele origin: germline.